The following is an entry in ClinVar:

ClinVar aggregate classification (germline): Uncertain significance (1 of 4 stars; one submission).

Conditions:
Inborn genetic diseases. Identifiers: MedGen C0950123, MeSH D030342.

Submission:

Ambry Genetics
Classification: Uncertain significance for Inborn genetic diseases. Last evaluated: 2025-05-03. Review status: criteria provided, single submitter. Criteria: Ambry Variant Classification Scheme 2023. Collection method: clinical testing. Allele origin: germline.
Comment: The p.I600M variant (also known as c.1800C>G), located in coding exon 14 of the FANCG gene, results from a C to G substitution at nucleotide position 1800. The isoleucine at codon 600 is replaced by methionine, an amino acid with highly similar properties. This amino acid position is conserved. In addition, this alteration is predicted to be tolerated by in silico analysis. Based on the available evidence, the clinical significance of this variant remains unclear.

NM_004629.2(FANCG):c.1800C>G (p.Ile600Met)

Gene: FANCG (FA complementation group G; minus strand). Cytogenetic location: 9p13.3.
Variant type: single nucleotide variant.
Coding change: c.1800C>G on transcript NM_004629.2 (MANE Select); coding-DNA position 1800, C replaced by G.
Protein change: p.Ile600Met; replaces isoleucine 600 with methionine.
Molecular consequence: missense variant.
Genome position (GRCh38, 1-based): chr9:35,074,177, G>C on the plus strand (C>G on the coding strand, the complement: FANCG is on the minus strand). VCF-style: chr9-35074177-G-C. GRCh37 (hg19) VCF-style: chr9-35074174-G-C.
Other names: short protein forms I600M.
Identifiers: ClinVar variation 4022507 (VCV004022507.1).